The following is an entry in ClinVar:

NM_001364730.1(ZNF69):c.1005G>A (p.Thr335=)

Gene: ZNF69 (zinc finger protein 69; plus strand). Cytogenetic location: 19p13.2.
Variant type: single nucleotide variant.
Coding change: c.1005G>A on transcript NM_001364730.1 (MANE Select); coding-DNA position 1005, G replaced by A.
Protein change: p.Thr335=; no amino-acid change (threonine 335 retained).
Molecular consequence: synonymous variant. On other transcripts: intron variant (2).
Genome position (GRCh38, 1-based): chr19:11,905,402, G>A. VCF-style: chr19-11905402-G-A. GRCh37 (hg19) VCF-style: chr19-12016217-G-A.
Other names: c.963G>A, p.Thr321= (NM_001364731.1); c.490+515G>A (NM_001321163.2); c.448+515G>A (NM_021915.4).
Identifiers: ClinVar variation 2649337 (VCV002649337.24), dbSNP rs191881165, ClinGen allele CA9218011.

ClinVar aggregate classification (germline): Likely benign (1 of 4 stars; one submission).

Allele frequency attached by ClinVar (database versions not stated): 1000 Genomes Project 30x 0.00047; 1000 Genomes Project 0.00060; ExAC 0.00194; TOPMed 0.00213; gnomAD 0.00226; gnomAD exomes 0.00346.

Submission:

CeGaT Center for Human Genetics Tuebingen
Classification: Likely benign. Last evaluated: 2023-02-01. Review status: criteria provided, single submitter. Criteria: CeGaT Center For Human Genetics Tuebingen Variant Classification Criteria Version 2. Collection method: clinical testing. Allele origin: germline. Affected: yes. Observed: 1 variant allele.
Comment: ZNF69: BP4, BP7